The following is an entry in ClinVar:

NM_147127.5(EVC2):c.519+1G>A

Gene: EVC2 (EvC ciliary complex subunit 2; minus strand). Cytogenetic location: 4p16.2.
Variant type: single nucleotide variant.
Coding change: c.519+1G>A on transcript NM_147127.5 (MANE Select); the canonical splice donor site of the intron after coding-DNA position 519, G replaced by A.
Molecular consequence: splice donor variant.
Genome position (GRCh38, 1-based): chr4:5,691,264, C>T on the plus strand (G>A on the coding strand, the complement: EVC2 is on the minus strand). VCF-style: chr4-5691264-C-T. GRCh37 (hg19) VCF-style: chr4-5692991-C-T.
Other names: c.279+1G>A (NM_001166136.2).
Identifiers: ClinVar variation 2107213 (VCV002107213.5), dbSNP rs1339651649, ClinGen allele CA356149737.
Genomic context (GRCh38, chr4:5,691,264, plus strand): 5'-AATGATCTGGGCAAAATCCAATTATTTTCTCTTCAAATATACACCACCAGTGGAAACTTA[C>T]CAGTGCACATTTCTGAAAAATTACTCCATTTTCAGAAGTCCCTTGAACTTCTCTTGAAAT-3'

ClinVar aggregate classification (germline): Pathogenic/Likely pathogenic. Review status: criteria provided, multiple submitters, no conflicts (2 of 4 stars). 2 submissions from 2 submitters: Pathogenic (1); Likely pathogenic (1). Last evaluated 2023-07-31.

Conditions:
Ellis-van Creveld syndrome (EVC). Also called: Chondroectodermal dysplasia; MESOECTODERMAL DYSPLASIA. Identifiers: Orphanet 289, MedGen C0013903, MONDO:0009162, OMIM 225500.
Curry-Hall syndrome (WAD). Also called: WEYERS ACRODENTAL DYSOSTOSIS. Identifiers: Orphanet 952, MedGen C0457013, MONDO:0008673, OMIM 193530.
EVC2-related disorders.

gnomAD v4.1: 3 of 1,612,968 alleles (0.00019%); highest among the groups gnomAD compares: South Asian, 0.0033%; no homozygotes.

Submissions (2):

Labcorp Genetics (formerly Invitae), Labcorp
Classification: Pathogenic for Curry-Hall syndrome; Ellis-van Creveld syndrome. Last evaluated: 2023-07-31. Review status: criteria provided, single submitter. Criteria: Invitae Variant Classification Sherloc (09022015). Collection method: clinical testing. Allele origin: germline.
Comment: Algorithms developed to predict the effect of sequence changes on RNA splicing suggest that this variant may disrupt the consensus splice site. For these reasons, this variant has been classified as Pathogenic. ClinVar contains an entry for this variant (Variation ID: 2107213). Disruption of this splice site has been observed in individuals with autosomal recessive EVC2-related conditions (PMID: 17024374; Invitae). This variant is present in population databases (no rsID available, gnomAD 0.006%). This sequence change affects a donor splice site in intron 4 of the EVC2 gene. It is expected to disrupt RNA splicing. Variants that disrupt the donor or acceptor splice site typically lead to a loss of protein function (PMID: 16199547), and loss-of-function variants in EVC2 are known to be pathogenic (PMID: 17024374, 19810119, 19876929).

Blueprint Genetics
Classification: Likely pathogenic for EVC2-related disorders. Last evaluated: 2020-04-23. Review status: criteria provided, single submitter. Criteria: ACMG Guidelines, 2015. Collection method: clinical testing. Allele origin: germline. Affected: yes. Observed: 1 variant allele.

Literature cited by the submitters: PubMed 17024374 (cited by Labcorp Genetics (formerly Invitae), Labcorp); PubMed 16199547 (cited by Labcorp Genetics (formerly Invitae), Labcorp); PubMed 19810119 (cited by Labcorp Genetics (formerly Invitae), Labcorp); PubMed 19876929 (cited by Labcorp Genetics (formerly Invitae), Labcorp).